The following is an entry in ClinVar:

ClinVar aggregate classification (germline): Uncertain significance. Review status: criteria provided, multiple submitters, no conflicts (2 of 4 stars). 2 submissions from 2 submitters: Uncertain significance (2). Last evaluated 2025-04-08.

Conditions:
Inborn genetic diseases. Identifiers: MedGen C0950123, MeSH D030342.

Submissions (2):

Labcorp Genetics (formerly Invitae), Labcorp
Classification: Uncertain significance. Last evaluated: 2025-04-08. Review status: criteria provided, single submitter. Criteria: Invitae Variant Classification Sherloc (09022015). Collection method: clinical testing. Allele origin: germline.
Comment: This sequence change replaces glycine, which is neutral and non-polar, with arginine, which is basic and polar, at codon 39 of the ARPC1B protein (p.Gly39Arg). This variant is not present in population databases (gnomAD no frequency). This variant has not been reported in the literature in individuals affected with ARPC1B-related conditions. Invitae Evidence Modeling of protein sequence and biophysical properties (such as structural, functional, and spatial information, amino acid conservation, physicochemical variation, residue mobility, and thermodynamic stability) indicates that this missense variant is not expected to disrupt ARPC1B protein function with a negative predictive value of 80%. In summary, the available evidence is currently insufficient to determine the role of this variant in disease. Therefore, it has been classified as a Variant of Uncertain Significance.

Ambry Genetics
Classification: Uncertain significance for Inborn genetic diseases. Last evaluated: 2025-01-22. Review status: criteria provided, single submitter. Criteria: Ambry Variant Classification Scheme 2023. Collection method: clinical testing. Allele origin: germline.

NM_005720.4(ARPC1B):c.115G>C (p.Gly39Arg)

Gene: ARPC1B (actin related protein 2/3 complex subunit 1B; plus strand). Cytogenetic location: 7q22.1.
Variant type: single nucleotide variant.
Coding change: c.115G>C on transcript NM_005720.4 (MANE Select); coding-DNA position 115, G replaced by C.
Protein change: p.Gly39Arg; replaces glycine 39 with arginine.
Molecular consequence: missense variant.
Genome position (GRCh38, 1-based): chr7:99,386,735, G>C. VCF-style: chr7-99386735-G-C. GRCh37 (hg19) VCF-style: chr7-98984358-G-C.
Other names: short protein forms G39R.
Identifiers: ClinVar variation 3786732 (VCV003786732.2).